The following is an entry in ClinVar:

NM_004369.4(COL6A3):c.4005C>T (p.Gly1335=)

Gene: COL6A3 (collagen type VI alpha 3 chain; minus strand). Cytogenetic location: 2q37.3.
Variant type: single nucleotide variant.
Coding change: c.4005C>T on transcript NM_004369.4 (MANE Select); coding-DNA position 4005, C replaced by T.
Protein change: p.Gly1335=; no amino-acid change (glycine 1335 retained).
Molecular consequence: synonymous variant.
Genome position (GRCh38, 1-based): chr2:237,372,012, G>A on the plus strand (C>T on the coding strand, the complement: COL6A3 is on the minus strand). VCF-style: chr2-237372012-G-A. GRCh37 (hg19) VCF-style: chr2-238280655-G-A.
Other names: p.Gly1335=; c.2784C>T, p.Gly928= (NM_057164.5); c.3387C>T, p.Gly1129= (NM_057165.5, NM_057167.4); c.2184C>T, p.Gly728= (NM_057166.5).
Identifiers: ClinVar variation 128818 (VCV000128818.23), dbSNP rs34503558, ClinGen allele CA152466.

ClinVar aggregate classification (germline): Benign/Likely benign. Review status: criteria provided, multiple submitters, no conflicts (2 of 4 stars). 7 submissions from 7 submitters: Benign (4); Likely benign (2). 1 of the submissions does not count toward it. Last evaluated 2026-02-02.

Conditions:
Bethlem myopathy 1A. Also called: MYOPATHY, BENIGN CONGENITAL, WITH CONTRACTURES; Bethlem myopathy 1; Bethlem Muscular Dystrophy. Identifiers: Orphanet 610, MedGen CN029274, MONDO:0024530, OMIM 158810.

Allele frequency attached by ClinVar (database versions not stated): gnomAD exomes 0.00096 and 0.00244; gnomAD 0.01014 and 0.00949; ESP Exome Variant Server 0.01138; 1000 Genomes Project 30x 0.00874; TOPMed 0.01103; ExAC 0.00319; 1000 Genomes Project 0.00919.
gnomAD v4.1: 2,960 of 1,614,064 alleles (0.18%); highest among the groups gnomAD compares: African/African-American, 3.5%; 57 homozygotes.

Submissions (7):

Labcorp Genetics (formerly Invitae), Labcorp
Classification: Benign for Bethlem myopathy 1A. Last evaluated: 2026-02-02. Review status: criteria provided, single submitter. Criteria: Invitae Variant Classification Sherloc (09022015). Collection method: clinical testing. Allele origin: germline.

Mayo Clinic Laboratories, Mayo Clinic
Classification: Benign. Last evaluated: 2021-12-03. Review status: criteria provided, single submitter. Criteria: ACMG Guidelines, 2015. Collection method: clinical testing. Allele origin: germline. Observed: 4 variant alleles.
Comment: BS1, BS2, BP4, BP7

Eurofins Ntd Llc (ga)
Classification: Benign. Last evaluated: 2016-11-02. Review status: criteria provided, single submitter. Criteria: EGL Classification Definitions 2015. Collection method: clinical testing. Allele origin: germline.

GeneDx
Classification: Benign. Last evaluated: 2016-06-08. Review status: criteria provided, single submitter. Criteria: GeneDx Variant Classification (06012015). Collection method: clinical testing. Allele origin: germline. Affected: yes.
Comment: This variant is considered likely benign or benign based on one or more of the following criteria: it is a conservative change, it occurs at a poorly conserved position in the protein, it is predicted to be benign by multiple in silico algorithms, and/or has population frequency not consistent with disease.

Breakthrough Genomics
Classification: Likely benign. Review status: criteria provided, single submitter. Criteria: ACMG Guidelines, 2015. Collection method: not provided. Allele origin: germline. Inheritance: Autosomal recessive inheritance. Affected: yes.

PreventionGenetics, part of Exact Sciences
Classification: Likely benign. Review status: criteria provided, single submitter. Criteria: ACMG Guidelines, 2015. Collection method: clinical testing. Allele origin: germline.

Genetic Services Laboratory, University of Chicago
Classification: Likely benign for AllHighlyPenetrant. Review status: no assertion criteria provided. Collection method: clinical testing. Allele origin: germline. Not counted in ClinVar's aggregate classification.
Comment: Likely benign based on allele frequency in 1000 Genomes Project or ESP global frequency and its presence in a patient with a rare or unrelated disease phenotype. NOT Sanger confirmed.